The following is an entry in ClinVar:

ClinVar aggregate classification (germline): Uncertain significance. Review status: criteria provided, multiple submitters, no conflicts (2 of 4 stars). 4 submissions from 4 submitters: Uncertain significance (4). Last evaluated 2024-03-06.

Conditions:
Breast-ovarian cancer, familial, susceptibility to, 4. Identifiers: Orphanet 145, MedGen C3280345, MONDO:0013669, OMIM 614291.
Hereditary cancer-predisposing syndrome. Also called: Hereditary Cancer Syndrome; Neoplastic Syndromes, Hereditary; Tumor predisposition; Hereditary neoplastic syndrome. Identifiers: Orphanet 140162, MedGen C0027672, MeSH D009386, MONDO:0015356.

Submissions (4):

Color Diagnostics, LLC DBA Color Health
Classification: Uncertain significance for Hereditary cancer-predisposing syndrome. Last evaluated: 2024-03-06. Review status: criteria provided, single submitter. Criteria: ACMG Guidelines, 2015. Collection method: clinical testing. Allele origin: germline.
Comment: This missense variant replaces alanine with valine at codon 40 of the RAD51D protein. Computational prediction suggests that this variant may not impact protein structure and function (internally defined REVEL score threshold <= 0.5, PMID: 27666373). To our knowledge, functional studies have not been reported for this variant. This variant has not been reported in individuals affected with hereditary cancer in the literature. This variant has not been identified in the general population by the Genome Aggregation Database (gnomAD). The available evidence is insufficient to determine the role of this variant in disease conclusively. Therefore, this variant is classified as a Variant of Uncertain Significance.

Ambry Genetics
Classification: Uncertain significance for Hereditary cancer-predisposing syndrome. Last evaluated: 2024-01-21. Review status: criteria provided, single submitter. Criteria: Ambry Variant Classification Scheme 2023. Collection method: clinical testing. Allele origin: germline.
Comment: The p.A40V variant (also known as c.119C>T), located in coding exon 2 of the RAD51D gene, results from a C to T substitution at nucleotide position 119. The alanine at codon 40 is replaced by valine, an amino acid with similar properties. This variant was not reported in population based cohorts in the following databases: Database of Single Nucleotide Polymorphisms (dbSNP), NHLBI Exome Sequencing Project (ESP), and 1000 Genomes Project. In the ESP, this variant was not observed in 6503 samples (13006 alleles) with coverage at this position. To date, this alteration has been detected with an allele frequency of approximately 0.001% (greater than 175000 alleles tested) in our clinical cohort. This amino acid position is well conserved in available vertebrate species. In addition, the in silico prediction for this alteration is inconclusive. Since supporting evidence is limited at this time, the clinical significance of this alteration remains unclear.

Baylor Genetics
Classification: Uncertain significance for Breast-ovarian cancer, familial, susceptibility to, 4. Last evaluated: 2023-10-05. Review status: criteria provided, single submitter. Criteria: ACMG Guidelines, 2015. Collection method: clinical testing. Allele origin: unknown.

Labcorp Genetics (formerly Invitae), Labcorp
Classification: Uncertain significance for Breast-ovarian cancer, familial, susceptibility to, 4. Last evaluated: 2023-07-14. Review status: criteria provided, single submitter. Criteria: Invitae Variant Classification Sherloc (09022015). Collection method: clinical testing. Allele origin: germline.
Comment: This variant has not been reported in the literature in individuals affected with RAD51D-related conditions. An algorithm developed to predict the effect of missense changes on protein structure and function (PolyPhen-2) suggests that this variant is likely to be disruptive. ClinVar contains an entry for this variant (Variation ID: 480534). This variant is not present in population databases (gnomAD no frequency). This sequence change replaces alanine, which is neutral and non-polar, with valine, which is neutral and non-polar, at codon 40 of the RAD51D protein (p.Ala40Val). In summary, the available evidence is currently insufficient to determine the role of this variant in disease. Therefore, it has been classified as a Variant of Uncertain Significance.

NM_002878.4(RAD51D):c.119C>T (p.Ala40Val)

Genes: RAD51L3-RFFL (RAD51L3-RFFL readthrough; minus strand), RAD51D (RAD51 paralog D; minus strand). Cytogenetic location: 17q12.
Variant type: single nucleotide variant.
Coding change: c.119C>T on transcript NM_002878.4 (MANE Select); coding-DNA position 119, C replaced by T.
Protein change: p.Ala40Val; replaces alanine 40 with valine.
Molecular consequence: missense variant. On other transcripts: non-coding transcript variant (2).
Genome position (GRCh38, 1-based): chr17:35,119,136, G>A on the plus strand (C>T on the coding strand, the complement: RAD51D is on the minus strand). VCF-style: chr17-35119136-G-A. GRCh37 (hg19) VCF-style: chr17-33446155-G-A.
Other names: c.119C>T, p.Ala40Val (NM_001142571.2, NM_133629.3); short protein forms A40V.
Identifiers: ClinVar variation 480534 (VCV000480534.14), dbSNP rs1555570409, ClinGen allele CA399091863.